The following is an entry in ClinVar:

NM_000052.7(ATP7A):c.1000G>A (p.Ala334Thr)

Gene: ATP7A (ATPase copper transporting alpha; plus strand). Cytogenetic location: Xq21.1.
Variant type: single nucleotide variant.
Coding change: c.1000G>A on transcript NM_000052.7 (MANE Select); coding-DNA position 1000, G replaced by A.
Protein change: p.Ala334Thr; replaces alanine 334 with threonine.
Molecular consequence: missense variant.
Genome position (GRCh38, 1-based): chrX:77,989,622, G>A. VCF-style: chrX-77989622-G-A. GRCh37 (hg19) VCF-style: chrX-77245118-G-A.
Other names: p.Ala334Thr; c.1000G>A, p.Ala334Thr (NM_001282224.2); short protein forms A334T.
Identifiers: ClinVar variation 388685 (VCV000388685.50), dbSNP rs368622356, ClinGen allele CA10458981.

ClinVar aggregate classification (germline): Conflicting classifications of pathogenicity. Review status: criteria provided, conflicting classifications (1 of 4 stars). 10 submissions from 10 submitters: Uncertain significance (2); Benign (1); Likely benign (6). 1 of the submissions does not count toward it. Last evaluated 2026-09-01.

Conditions:
Inborn genetic diseases. Identifiers: MedGen C0950123, MeSH D030342.
Ehlers-Danlos syndrome (EDS). Identifiers: Orphanet 98249, MedGen C0013720, MONDO:0020066.
Menkes kinky-hair syndrome (MNK). Also called: Copper transport disease; Classic Menkes Disease; Menkes Disease. Identifiers: Orphanet 565, MedGen C0022716, MONDO:0010651, OMIM 309400.
X-linked distal spinal muscular atrophy type 3. Also called: NEURONOPATHY, DISTAL HEREDITARY MOTOR, X-LINKED; NEUROPATHY, DISTAL HEREDITARY MOTOR, X-LINKED; ATP7A-Related Distal Motor Neuropathy; SPINAL MUSCULAR ATROPHY, DISTAL, X-LINKED RECESSIVE. Identifiers: Orphanet 139557, MedGen C1845359, MONDO:0010338, OMIM 300489.
Cutis laxa, X-linked (OHS). Also called: EDS IX; Occipital horn syndrome. Identifiers: Orphanet 198, MedGen C0268353, MONDO:0010572, OMIM 304150.

Allele frequency attached by ClinVar (database versions not stated): gnomAD exomes 0.00005 and 0.00009; TOPMed 0.00006; ExAC 0.00008; gnomAD 0.00008 and 0.00010; ESP Exome Variant Server 0.00009.
gnomAD v4.1: 60 of 1,210,007 alleles (0.005%); highest among the groups gnomAD compares: Middle Eastern, 0.14%; 1 homozygote.

Submissions (10):

CeGaT Center for Human Genetics Tuebingen
Classification: Likely benign. Last evaluated: 2026-09-01. Review status: criteria provided, single submitter. Criteria: CeGaT Center For Human Genetics Tuebingen Variant Classification Criteria Version 2. Collection method: clinical testing. Allele origin: germline. Affected: yes. Observed: 2 variant alleles.
Comment: ATP7A: BS2

Labcorp Genetics (formerly Invitae), Labcorp
Classification: Benign for X-linked distal spinal muscular atrophy type 3; Cutis laxa, X-linked; Menkes kinky-hair syndrome. Last evaluated: 2026-01-26. Review status: criteria provided, single submitter. Criteria: Invitae Variant Classification Sherloc (09022015). Collection method: clinical testing. Allele origin: germline.

Mayo Clinic Laboratories, Mayo Clinic
Classification: Likely benign. Last evaluated: 2025-08-22. Review status: criteria provided, single submitter. Criteria: ACMG Guidelines, 2015. Collection method: clinical testing. Allele origin: germline. Observed: 3 variant alleles.
Comment: BS1, BS2

Laboratory of Genetics, Children's Clinical University Hospital Latvia
Classification: Likely benign. Last evaluated: 2025-02-16. Review status: criteria provided, single submitter. Criteria: ACMG Guidelines, 2015. Collection method: clinical testing. Allele origin: germline. Affected: yes.

Blueprint Genetics
Classification: Likely benign. Last evaluated: 2024-07-01. Review status: criteria provided, single submitter. Criteria: ACMG Guidelines, 2015. Collection method: clinical testing. Allele origin: germline.

Genome Diagnostics Laboratory, The Hospital for Sick Children
Classification: Uncertain significance for Ehlers-Danlos syndrome. Last evaluated: 2022-07-15. Review status: criteria provided, single submitter. Criteria: ACMG Guidelines, 2015. Collection method: clinical testing. Allele origin: germline.

GeneDx
Classification: Likely benign. Last evaluated: 2021-03-17. Review status: criteria provided, single submitter. Criteria: GeneDx Variant Classification Process June 2021. Collection method: clinical testing. Allele origin: germline. Affected: yes.

Centre for Mendelian Genomics, University Medical Centre Ljubljana
Classification: Uncertain significance for Cutis laxa, X-linked. Last evaluated: 2019-08-17. Review status: criteria provided, single submitter. Criteria: ACMG Guidelines, 2015. Collection method: clinical testing. Allele origin: unknown. Affected: yes.
Comment: This variant was classified as: Uncertain significance. The available evidence on this variant's pathogenicity is insufficient or conflicting. The following ACMG criteria were applied in classifying this variant: PP3. This variant was detected in hemizygous state.

Ambry Genetics
Classification: Likely benign for Inborn genetic diseases. Last evaluated: 2019-05-02. Review status: criteria provided, single submitter. Criteria: Ambry Variant Classification Scheme 2023. Collection method: clinical testing. Allele origin: germline.

Natera, Inc.
Classification: Likely benign for Menkes kinky hair syndrome. Last evaluated: 2020-06-03. Review status: no assertion criteria provided. Collection method: clinical testing. Allele origin: germline. Not counted in ClinVar's aggregate classification.